The following is an entry in ClinVar:

ClinVar aggregate classification (germline): not provided (0 of 4 stars; one submission).

Conditions:
Uterine leiomyoma (UL). Also called: Uterine corpus leiomyoma. Identifiers: MedGen C0042133, MONDO:0007886, OMIM 150699, HP:0000131.

Submission:

Rajkovic Lab, University of Pittsburgh
No classification provided. Condition: Leiomyoma, uterine. Review status: no classification provided. Collection method: not provided. Allele origin: somatic.
ClinVar note: Converted during submission from Associated with leiomyomas to not provided.

NM_005120.3(MED12):c.113_121del (p.Ala38_Asn40del)

Gene: MED12 (mediator complex subunit 12; plus strand). Cytogenetic location: Xq13.1.
Variant type: Deletion.
Coding change: c.113_121del on transcript NM_005120.3 (MANE Select); coding-DNA positions 113 to 121, 9 bases deleted (CCTTGAATG; older notation c.113_121delCCTTGAATG).
Protein change: p.Ala38_Asn40del.
Molecular consequence: inframe deletion.
Genome position (GRCh38, 1-based): chrX:71,119,386-71,119,394, CCTTGAATG deleted; deleting any 9 consecutive bases within chrX:71,119,385-71,119,394 gives the same sequence; the c. name uses the placement nearest the transcript's 3' end. VCF-style (leftmost placement, unchanged base first): chrX-71119384-GGCCTTGAAT-G. GRCh37 (hg19) VCF-style: chrX-70339234-GGCCTTGAAT-G.
Identifiers: ClinVar variation 92204 (VCV000092204.2), dbSNP rs199469682, ClinGen allele CA145537.